The following is an entry in ClinVar:

NM_020686.6(ABAT):c.770A>T (p.Glu257Val)

Gene: ABAT (4-aminobutyrate aminotransferase; plus strand). Cytogenetic location: 16p13.2.
Variant type: single nucleotide variant.
Coding change: c.770A>T on transcript NM_020686.6 (MANE Select); coding-DNA position 770, A replaced by T.
Protein change: p.Glu257Val; replaces glutamic acid 257 with valine.
Molecular consequence: missense variant.
Genome position (GRCh38, 1-based): chr16:8,768,927, A>T. VCF-style: chr16-8768927-A-T. GRCh37 (hg19) VCF-style: chr16-8862784-A-T.
Other names: c.770A>T, p.Glu257Val (NM_000663.5, NM_001127448.2, NM_001386600.1 and 7 more transcripts); c.707A>T, p.Glu236Val (NM_001386606.1, NM_001386607.1); c.677A>T, p.Glu226Val (NM_001386608.1); c.635A>T, p.Glu212Val (NM_001386610.1, NM_001386611.1); c.572A>T, p.Glu191Val (NM_001386612.1, NM_001386613.1); c.524A>T, p.Glu175Val (NM_001386614.1); c.866A>T, p.Glu289Val (NM_001386615.1); short protein forms E257V, E175V, E191V, E212V, E226V, E236V, E289V.
Identifiers: ClinVar variation 649920 (VCV000649920.9), dbSNP rs1377874387, ClinGen allele CA394689072.
Genomic context (GRCh38, chr16:8,768,927, plus strand): 5'-ACATCCCTTCCTTTGACTGGCCCATCGCACCGTTCCCACGGCTGAAATACCCTCTGGAAG[A>T]GTTTGTGAAAGAGAACCAACAGGAGGAGGCCCGCTGTCTGGAAGAGGTAATGCTCATACC-3'
Protein context (NP_065737.2, residues 247-267): PFPRLKYPLE[Glu257Val]FVKENQQEEA

ClinVar aggregate classification (germline): Uncertain significance (1 of 4 stars; one submission).

Conditions:
Gamma-aminobutyric acid transaminase deficiency (GABATD). Also called: GABA aminotransaminase deficiency; GABA transaminase deficiency; Gamma aminobutyrate transaminase deficiency; 4 alpha aminobutyrate transaminase deficiency. Identifiers: Orphanet 2066, MedGen C0342708, MONDO:0013166, OMIM 613163.

Allele frequency attached by ClinVar (database versions not stated): gnomAD 0.00001; TOPMed 0.00001.
gnomAD v4.1: 1 of 1,614,052 alleles (0.000062%); highest among the groups gnomAD compares: Admixed American, 0.0017%; no homozygotes.

Submission:

Labcorp Genetics (formerly Invitae), Labcorp
Classification: Uncertain significance for Gamma-aminobutyric acid transaminase deficiency. Last evaluated: 2025-08-04. Review status: criteria provided, single submitter. Criteria: Invitae Variant Classification Sherloc (09022015). Collection method: clinical testing. Allele origin: germline.
Comment: This sequence change replaces glutamic acid, which is acidic and polar, with valine, which is neutral and non-polar, at codon 257 of the ABAT protein (p.Glu257Val). This variant is not present in population databases (gnomAD no frequency). This variant has not been reported in the literature in individuals affected with ABAT-related conditions. ClinVar contains an entry for this variant (Variation ID: 649920). Invitae Evidence Modeling of protein sequence and biophysical properties (such as structural, functional, and spatial information, amino acid conservation, physicochemical variation, residue mobility, and thermodynamic stability) indicates that this missense variant is not expected to disrupt ABAT protein function with a negative predictive value of 80%. In summary, the available evidence is currently insufficient to determine the role of this variant in disease. Therefore, it has been classified as a Variant of Uncertain Significance.